The following is an entry in ClinVar:

ClinVar aggregate classification (germline): Uncertain significance (1 of 4 stars; one submission).

Conditions:
Charcot-Marie-Tooth disease type 4. Also called: Charcot-Marie-Tooth, Type 4; Charcot-Marie-Tooth disease, type IV. Identifiers: Orphanet 64749, MedGen C4082197, MONDO:0018995.

Allele frequency attached by ClinVar (database versions not stated): gnomAD exomes 0.00001 and 0.00002; TOPMed 0.00001; ExAC 0.00002; gnomAD 0.00003.
gnomAD v4.1: 15 of 1,614,024 alleles (0.00093%); highest among the groups gnomAD compares: Admixed American, 0.0067%; no homozygotes.

Submission:

Labcorp Genetics (formerly Invitae), Labcorp
Classification: Uncertain significance for Charcot-Marie-Tooth disease type 4. Last evaluated: 2023-11-28. Review status: criteria provided, single submitter. Criteria: Invitae Variant Classification Sherloc (09022015). Collection method: clinical testing. Allele origin: germline.
Comment: This sequence change replaces proline, which is neutral and non-polar, with leucine, which is neutral and non-polar, at codon 487 of the PRX protein (p.Pro487Leu). This variant is present in population databases (rs778936443, gnomAD 0.009%). This variant has not been reported in the literature in individuals affected with PRX-related conditions. ClinVar contains an entry for this variant (Variation ID: 569894). An algorithm developed to predict the effect of missense changes on protein structure and function (PolyPhen-2) suggests that this variant is likely to be disruptive. In summary, the available evidence is currently insufficient to determine the role of this variant in disease. Therefore, it has been classified as a Variant of Uncertain Significance.

NM_181882.3(PRX):c.1460C>T (p.Pro487Leu)

Gene: PRX (periaxin; minus strand). Cytogenetic location: 19q13.2.
Variant type: single nucleotide variant.
Coding change: c.1460C>T on transcript NM_181882.3 (MANE Select); coding-DNA position 1460, C replaced by T.
Protein change: p.Pro487Leu; replaces proline 487 with leucine.
Molecular consequence: missense variant. On other transcripts: 3 prime UTR variant (1).
Genome position (GRCh38, 1-based): chr19:40,396,892, G>A on the plus strand (C>T on the coding strand, the complement: PRX is on the minus strand). VCF-style: chr19-40396892-G-A. GRCh37 (hg19) VCF-style: chr19-40902799-G-A.
Other names: c.*1665C>T (NM_020956.2); short protein forms P487L.
Identifiers: ClinVar variation 569894 (VCV000569894.9), dbSNP rs778936443, ClinGen allele CA9444259.